The following is an entry in ClinVar:

ClinVar aggregate classification (germline): Likely benign (1 of 4 stars; one submission).

Submission:

CeGaT Center for Human Genetics Tuebingen
Classification: Likely benign. Last evaluated: 2025-11-01. Review status: criteria provided, single submitter. Criteria: CeGaT Center For Human Genetics Tuebingen Variant Classification Criteria Version 2. Collection method: clinical testing. Allele origin: germline. Affected: yes. Observed: 1 variant allele.
Comment: CHD3: BP4, BP7

NM_001005273.3(CHD3):c.342G>A (p.Lys114=)

Gene: CHD3 (chromodomain helicase DNA binding protein 3; plus strand). Cytogenetic location: 17p13.1.
Variant type: single nucleotide variant.
Coding change: c.342G>A on transcript NM_001005273.3 (MANE Select); coding-DNA position 342, G replaced by A.
Protein change: p.Lys114=; no amino-acid change (lysine 114 retained).
Molecular consequence: synonymous variant.
Genome position (GRCh38, 1-based): chr17:7,890,699, G>A. VCF-style: chr17-7890699-G-A. GRCh37 (hg19) VCF-style: chr17-7794017-G-A.
Other names: c.519G>A, p.Lys173= (NM_001005271.3, NM_001437504.1, NM_001437507.1 and 2 more transcripts); c.342G>A, p.Lys114= (NM_005852.4).
Identifiers: ClinVar variation 4533751 (VCV004533751.6).